The following is an entry in ClinVar:

NM_024675.4(PALB2):c.3413C>G (p.Ala1138Gly)

Gene: PALB2 (partner and localizer of BRCA2; minus strand). Cytogenetic location: 16p12.2.
Variant type: single nucleotide variant.
Coding change: c.3413C>G on transcript NM_024675.4 (MANE Select); coding-DNA position 3413, C replaced by G.
Protein change: p.Ala1138Gly; replaces alanine 1138 with glycine.
Molecular consequence: missense variant.
Genome position (GRCh38, 1-based): chr16:23,603,607, G>C on the plus strand (C>G on the coding strand, the complement: PALB2 is on the minus strand). VCF-style: chr16-23603607-G-C. GRCh37 (hg19) VCF-style: chr16-23614928-G-C.
Other names: c.3413C>G (NM_024675.3); short protein forms A1138G.
Identifiers: ClinVar variation 1036197 (VCV001036197.11), dbSNP rs1966403381, ClinGen allele CA395138223.

ClinVar aggregate classification (germline): Uncertain significance. Review status: criteria provided, multiple submitters, no conflicts (2 of 4 stars). 5 submissions from 5 submitters: Uncertain significance (5). Last evaluated 2025-09-10.

Conditions:
Hereditary cancer-predisposing syndrome. Also called: Neoplastic Syndromes, Hereditary; Hereditary Cancer Syndrome; Tumor predisposition; Hereditary neoplastic syndrome. Identifiers: Orphanet 140162, MedGen C0027672, MeSH D009386, MONDO:0015356.
Familial cancer of breast. Also called: hereditary breast carcinoma; Hereditary breast cancer; BREAST CANCER, FAMILIAL. Identifiers: Orphanet 227535, MedGen C0346153, MONDO:0016419, OMIM 114480. Disease mechanism: loss of function.

Submissions (5):

Labcorp Genetics (formerly Invitae), Labcorp
Classification: Uncertain significance for Familial cancer of breast. Last evaluated: 2025-09-10. Review status: criteria provided, single submitter. Criteria: Invitae Variant Classification Sherloc (09022015). Collection method: clinical testing. Allele origin: germline.
Comment: This sequence change replaces alanine, which is neutral and non-polar, with glycine, which is neutral and non-polar, at codon 1138 of the PALB2 protein (p.Ala1138Gly). This variant is not present in population databases (gnomAD no frequency). This variant has not been reported in the literature in individuals affected with PALB2-related conditions. ClinVar contains an entry for this variant (Variation ID: 1036197). An algorithm developed to predict the effect of missense changes on protein structure and function (PolyPhen-2) suggests that this variant is likely to be disruptive. In summary, the available evidence is currently insufficient to determine the role of this variant in disease. Therefore, it has been classified as a Variant of Uncertain Significance.

Color Diagnostics, LLC DBA Color Health
Classification: Uncertain significance for Hereditary cancer-predisposing syndrome. Last evaluated: 2024-06-13. Review status: criteria provided, single submitter. Criteria: ACMG Guidelines, 2015. Collection method: clinical testing. Allele origin: germline.
Comment: This missense variant replaces alanine with glycine at codon 1138 of the PALB2 protein. Computational prediction suggests that this variant may not impact protein structure and function. To our knowledge, functional studies have not been reported for this variant. This variant has not been reported in individuals affected with PALB2-related disorders in the literature. This variant has not been identified in the general population by the Genome Aggregation Database (gnomAD). The available evidence is insufficient to determine the role of this variant in disease conclusively. Therefore, this variant is classified as a Variant of Uncertain Significance.

Baylor Genetics
Classification: Uncertain significance for Familial cancer of breast. Last evaluated: 2024-03-22. Review status: criteria provided, single submitter. Criteria: ACMG Guidelines, 2015. Collection method: clinical testing. Allele origin: unknown.

GeneDx
Classification: Uncertain significance. Last evaluated: 2023-07-31. Review status: criteria provided, single submitter. Criteria: GeneDx Variant Classification Process June 2021. Collection method: clinical testing. Allele origin: germline. Affected: yes.
Comment: Not observed at significant frequency in large population cohorts (gnomAD); In silico analysis supports that this missense variant has a deleterious effect on protein structure/function; Has not been previously published as pathogenic or benign to our knowledge; This variant is associated with the following publications: (PMID: 19609323, 24485656, 20871615)

Ambry Genetics
Classification: Uncertain significance for Hereditary cancer-predisposing syndrome. Last evaluated: 2023-06-28. Review status: criteria provided, single submitter. Criteria: Ambry Variant Classification Scheme 2023. Collection method: clinical testing. Allele origin: germline.
Comment: The p.A1138G variant (also known as c.3413C>G), located in coding exon 13 of the PALB2 gene, results from a C to G substitution at nucleotide position 3413. The alanine at codon 1138 is replaced by glycine, an amino acid with similar properties. This amino acid position is conserved. In addition, this alteration is predicted to be tolerated by in silico analysis. Since supporting evidence is limited at this time, the clinical significance of this alteration remains unclear.